The following is an entry in ClinVar:

ClinVar aggregate classification (germline): Uncertain significance (1 of 4 stars; one submission).

Conditions:
Luscan-Lumish syndrome. Identifiers: Orphanet 597738, MedGen C4085873, MONDO:0014791, OMIM 616831.

gnomAD v4.1: 9 of 1,613,982 alleles (0.00056%); highest among the groups gnomAD compares: African/African-American, 0.0013%; no homozygotes.

Submission:

Labcorp Genetics (formerly Invitae), Labcorp
Classification: Uncertain significance for Luscan-Lumish syndrome. Last evaluated: 2025-10-08. Review status: criteria provided, single submitter. Criteria: Invitae Variant Classification Sherloc (09022015). Collection method: clinical testing. Allele origin: germline.
Comment: This sequence change replaces cysteine, which is neutral and slightly polar, with tyrosine, which is neutral and polar, at codon 805 of the SETD2 protein (p.Cys805Tyr). This variant is present in population databases (no rsID available, gnomAD 0.01%). This variant has not been reported in the literature in individuals affected with SETD2-related conditions. Invitae Evidence Modeling of protein sequence and biophysical properties (such as structural, functional, and spatial information, amino acid conservation, physicochemical variation, residue mobility, and thermodynamic stability) indicates that this missense variant is not expected to disrupt SETD2 protein function with a negative predictive value of 80%. In summary, the available evidence is currently insufficient to determine the role of this variant in disease. Therefore, it has been classified as a Variant of Uncertain Significance.

NM_014159.7(SETD2):c.2414G>A (p.Cys805Tyr)

Gene: SETD2 (SET domain containing 2, histone lysine methyltransferase; minus strand). Cytogenetic location: 3p21.31.
Variant type: single nucleotide variant.
Coding change: c.2414G>A on transcript NM_014159.7 (MANE Select); coding-DNA position 2414, G replaced by A.
Protein change: p.Cys805Tyr; replaces cysteine 805 with tyrosine.
Molecular consequence: missense variant. On other transcripts: non-coding transcript variant (1).
Genome position (GRCh38, 1-based): chr3:47,122,222, C>T on the plus strand (G>A on the coding strand, the complement: SETD2 is on the minus strand). VCF-style: chr3-47122222-C-T. GRCh37 (hg19) VCF-style: chr3-47163712-C-T.
Other names: c.2282G>A, p.Cys761Tyr (NM_001349370.3); short protein forms C805Y, C761Y.
Identifiers: ClinVar variation 4749675 (VCV004749675.1).